The following is an entry in ClinVar:

ClinVar aggregate classification (germline): Benign/Likely benign. Review status: criteria provided, multiple submitters, no conflicts (2 of 4 stars). 4 submissions from 4 submitters: Benign (1); Likely benign (3). Last evaluated 2025-05-08.

Conditions:
Developmental and epileptic encephalopathy, 9 (DEE9). Also called: Early infantile epileptic encephalopathy 9; JUBERG-HELLMAN SYNDROME; PCDH19-Related X-Linked Female-Limited Epilepsy with Mental Retardation; EPILEPSY, FEMALE-RESTRICTED, WITH MENTAL RETARDATION. Identifiers: Orphanet 101039, Orphanet 2076, MedGen C1848137, MONDO:0010246, OMIM 300088. Disease mechanism: loss of function.

Allele frequency attached by ClinVar (database versions not stated): gnomAD 0.00005; TOPMed 0.00005; ExAC 0.00016; 1000 Genomes Project 30x 0.00021; 1000 Genomes Project 0.00026.
gnomAD v4.1: 71 of 1,208,983 alleles (0.0059%); highest among the groups gnomAD compares: East Asian, 0.19%; no homozygotes.

Submissions (4):

Labcorp Genetics (formerly Invitae), Labcorp
Classification: Likely benign for Developmental and epileptic encephalopathy, 9. Last evaluated: 2025-05-08. Review status: criteria provided, single submitter. Criteria: Invitae Variant Classification Sherloc (09022015). Collection method: clinical testing. Allele origin: germline.

Fulgent Genetics
Classification: Likely benign for Developmental and epileptic encephalopathy, 9. Last evaluated: 2021-07-27. Review status: criteria provided, single submitter. Criteria: ACMG Guidelines, 2015. Collection method: clinical testing. Allele origin: unknown.

GeneDx
Classification: Likely benign. Last evaluated: 2019-11-07. Review status: criteria provided, single submitter. Criteria: GeneDx Variant Classification Process June 2021. Collection method: clinical testing. Allele origin: germline. Affected: yes.
Comment: This variant is associated with the following publications: (PMID: 22050978)

Genetic Services Laboratory, University of Chicago
Classification: Benign. Last evaluated: 2017-07-21. Review status: criteria provided, single submitter. Criteria: ACMG Guidelines, 2015. Collection method: clinical testing. Allele origin: germline. Affected: no.

NM_001184880.2(PCDH19):c.3320G>A (p.Arg1107His)

Gene: PCDH19 (protocadherin 19; minus strand). Cytogenetic location: Xq22.1.
Variant type: single nucleotide variant.
Coding change: c.3320G>A on transcript NM_001184880.2 (MANE Select); coding-DNA position 3320, G replaced by A.
Protein change: p.Arg1107His; replaces arginine 1107 with histidine.
Molecular consequence: missense variant.
Genome position (GRCh38, 1-based): chrX:100,296,404, C>T on the plus strand (G>A on the coding strand, the complement: PCDH19 is on the minus strand). VCF-style: chrX-100296404-C-T. GRCh37 (hg19) VCF-style: chrX-99551402-C-T.
Other names: c.3179G>A, p.Arg1060His (NM_001105243.2); c.3176G>A, p.Arg1059His (NM_020766.3); short protein forms R1060H, R1059H, R1107H.
Identifiers: ClinVar variation 701449 (VCV000701449.18), dbSNP rs200021840, ClinGen allele CA10468636.